The following is an entry in ClinVar:

NM_006415.4(SPTLC1):c.57+5G>T

Gene: SPTLC1 (serine palmitoyltransferase long chain base subunit 1; minus strand). Cytogenetic location: 9q22.31.
Variant type: single nucleotide variant.
Coding change: c.57+5G>T on transcript NM_006415.4 (MANE Select); 5 bases into the intron after coding-DNA position 57, G replaced by T.
Molecular consequence: intron variant.
Genome position (GRCh38, 1-based): chr9:92,115,309, C>A on the plus strand (G>T on the coding strand, the complement: SPTLC1 is on the minus strand). VCF-style: chr9-92115309-C-A. GRCh37 (hg19) VCF-style: chr9-94877591-C-A.
Other names: c.57+5G>T (NM_001281303.2, NM_178324.3); c.-443+5G>T (NM_001368272.1); c.-554+5G>T (NM_001368273.1).
Identifiers: ClinVar variation 4804494 (VCV004804494.1).

ClinVar aggregate classification (germline): Uncertain significance (1 of 4 stars; one submission).

Conditions:
Hereditary sensory and autonomic neuropathy type 1 (HSAN1). Also called: HSAN 1; HSN Type I; Hereditary Sensory Neuropathy Type I. Identifiers: Orphanet 36386, MedGen C0020071, MONDO:0018213.

Submission:

Labcorp Genetics (formerly Invitae), Labcorp
Classification: Uncertain significance for Hereditary sensory and autonomic neuropathy type 1. Last evaluated: 2025-07-08. Review status: criteria provided, single submitter. Criteria: Invitae Variant Classification Sherloc (09022015). Collection method: clinical testing. Allele origin: germline.
Comment: This sequence change falls in intron 1 of the SPTLC1 gene. It does not directly change the encoded amino acid sequence of the SPTLC1 protein. It affects a nucleotide within the consensus splice site. This variant is not present in population databases (gnomAD no frequency). This variant has not been reported in the literature in individuals affected with SPTLC1-related conditions. Variants that disrupt the consensus splice site are a relatively common cause of aberrant splicing (PMID: 17576681, 9536098). Algorithms developed to predict the effect of sequence changes on RNA splicing suggest that this variant may disrupt the consensus splice site. In summary, the available evidence is currently insufficient to determine the role of this variant in disease. Therefore, it has been classified as a Variant of Uncertain Significance.

Literature cited by the submitters: PubMed 17576681; PubMed 9536098.